The following is an entry in ClinVar:

ClinVar aggregate classification (germline): Uncertain significance (1 of 4 stars; one submission).

Conditions:
Inborn genetic diseases. Identifiers: MedGen C0950123, MeSH D030342.

gnomAD v4.1: 3 of 1,614,056 alleles (0.00019%); highest among the groups gnomAD compares: Non-Finnish European, 0.00025%; no homozygotes.

Submission:

Ambry Genetics
Classification: Uncertain significance for Inborn genetic diseases. Last evaluated: 2025-06-28. Review status: criteria provided, single submitter. Criteria: Ambry Variant Classification Scheme 2023. Collection method: clinical testing. Allele origin: germline.
Comment: The p.Y1456H variant (also known as c.4366T>C), located in coding exon 13 of the ASXL1 gene, results from a T to C substitution at nucleotide position 4366. The tyrosine at codon 1456 is replaced by histidine, an amino acid with similar properties. This amino acid position is conserved. In addition, this alteration is predicted to be tolerated by in silico analysis. Based on the available evidence, the clinical significance of this variant remains unclear.

NM_015338.6(ASXL1):c.4366T>C (p.Tyr1456His)

Gene: ASXL1 (ASXL transcriptional regulator 1; plus strand). Cytogenetic location: 20q11.21.
Variant type: single nucleotide variant.
Coding change: c.4366T>C on transcript NM_015338.6 (MANE Select); coding-DNA position 4366, T replaced by C.
Protein change: p.Tyr1456His; replaces tyrosine 1456 with histidine.
Molecular consequence: missense variant.
Genome position (GRCh38, 1-based): chr20:32,437,078, T>C. VCF-style: chr20-32437078-T-C. GRCh37 (hg19) VCF-style: chr20-31024881-T-C.
Other names: c.4183T>C, p.Tyr1395His (NM_001363734.1); short protein forms Y1395H, Y1456H.
Identifiers: ClinVar variation 4157941 (VCV004157941.1).